The following is an entry in ClinVar:

ClinVar aggregate classification (germline): Likely pathogenic. Review status: criteria provided, multiple submitters, no conflicts (2 of 4 stars). 2 submissions from 2 submitters: Likely pathogenic (2). Last evaluated 2024-10-23.

Conditions:
Joubert syndrome. Also called: CEREBELLOPARENCHYMAL DISORDER IV; JOUBERT-BOLTSHAUSER SYNDROME; Familial aplasia of the vermis. Identifiers: Orphanet 475, MedGen C5979921, MONDO:0018772.
Meckel-Gruber syndrome. Also called: DYSENCEPHALIA SPLANCHNOCYSTICA; GRUBER SYNDROME; Dysencephalia splachnocystica. Identifiers: Orphanet 564, MedGen C0265215, MONDO:0018921.

gnomAD v4.1: 9 of 1,610,088 alleles (0.00056%); highest among the groups gnomAD compares: Non-Finnish European, 0.00068%; no homozygotes.

Submissions (2):

Natera, Inc.
Classification: Likely pathogenic for Joubert syndrome. Last evaluated: 2024-10-23. Review status: criteria provided, single submitter. Criteria: Natera Variant Classification Schema (03/2026). Collection method: clinical testing. Allele origin: germline.
Comment: The c.2152+1G>C variant in RPGRIP1L is a canonical splice donor site variant predicted to affect pre-mRNA splicing, which may result in an abnormal transcript and altered protein product. This variant is expected to result in nonsense mediated decay, truncation, or a dysfunctional protein product. This variant is rare in the general population with a frequency below the threshold expected for the associated phenotype(s). Given the available evidence, this variant is classified as Likely Pathogenic.

Labcorp Genetics (formerly Invitae), Labcorp
Classification: Likely pathogenic for Joubert syndrome; Meckel-Gruber syndrome. Last evaluated: 2023-05-12. Review status: criteria provided, single submitter. Criteria: Invitae Variant Classification Sherloc (09022015). Collection method: clinical testing. Allele origin: germline.
Comment: In summary, the currently available evidence indicates that the variant is pathogenic, but additional data are needed to prove that conclusively. Therefore, this variant has been classified as Likely Pathogenic. Algorithms developed to predict the effect of sequence changes on RNA splicing suggest that this variant may disrupt the consensus splice site. ClinVar contains an entry for this variant (Variation ID: 1346993). This variant has not been reported in the literature in individuals affected with RPGRIP1L-related conditions. This variant is present in population databases (no rsID available, gnomAD 0.002%). This sequence change affects a donor splice site in intron 15 of the RPGRIP1L gene. It is expected to disrupt RNA splicing. Variants that disrupt the donor or acceptor splice site typically lead to a loss of protein function (PMID: 16199547), and loss-of-function variants in RPGRIP1L are known to be pathogenic (PMID: 17558409).

Literature cited by the submitters: PubMed 16199547 (cited by Labcorp Genetics (formerly Invitae), Labcorp); PubMed 17558409 (cited by Labcorp Genetics (formerly Invitae), Labcorp).

NM_015272.5(RPGRIP1L):c.2152+1G>C

Gene: RPGRIP1L (RPGRIP1 like; minus strand). Cytogenetic location: 16q12.2.
Variant type: single nucleotide variant.
Coding change: c.2152+1G>C on transcript NM_015272.5 (MANE Select); the canonical splice donor site of the intron after coding-DNA position 2152, G replaced by C.
Molecular consequence: splice donor variant.
Genome position (GRCh38, 1-based): chr16:53,652,534, C>G on the plus strand (G>C on the coding strand, the complement: RPGRIP1L is on the minus strand). VCF-style: chr16-53652534-C-G. GRCh37 (hg19) VCF-style: chr16-53686446-C-G.
Other names: c.2152+1G>C (NM_015272.4, NM_001127897.4, NM_001330538.2 and 1 more transcripts).
Identifiers: ClinVar variation 1346993 (VCV001346993.9), dbSNP rs1006433886, ClinGen allele CA281343801.
Genomic context (GRCh38, chr16:53,652,534, plus strand): 5'-CATAACGATATATAAACCAAATTAGTAATTCAAACACCCAAGGCTTATACATTGTACTTA[C>G]CAATCAAACTTGCTGTACAAAATATTCGGCCGCTTTTTTCAAGAATTTCGTGAAATTTTA-3'